The following is an entry in ClinVar:

ClinVar aggregate classification (germline): Conflicting classifications of pathogenicity. Review status: criteria provided, conflicting classifications (1 of 4 stars). 3 submissions from 3 submitters: Uncertain significance (2); Likely benign (1). Last evaluated 2025-06-12.

Conditions:
Upshaw-Schulman syndrome (TTP). Also called: THROMBOTIC THROMBOCYTOPENIC PURPURA, HEREDITARY; Congenital thrombotic thrombocytopenic purpura. Identifiers: Orphanet 93583, MedGen C1268935, MONDO:0010122, OMIM 274150.

Allele frequency attached by ClinVar (database versions not stated): gnomAD exomes 0.00001 and 0.00003; ExAC 0.00002; gnomAD 0.00013 and 0.00015; TOPMed 0.00014; ESP Exome Variant Server 0.00023.
gnomAD v4.1: 36 of 1,613,168 alleles (0.0022%); highest among the groups gnomAD compares: African/African-American, 0.044%; no homozygotes.

Submissions (3):

Labcorp Genetics (formerly Invitae), Labcorp
Classification: Likely benign. Last evaluated: 2025-06-12. Review status: criteria provided, single submitter. Criteria: Invitae Variant Classification Sherloc (09022015). Collection method: clinical testing. Allele origin: germline.

Women's Health and Genetics/Laboratory Corporation of America, LabCorp
Classification: Uncertain significance. Last evaluated: 2025-04-01. Review status: criteria provided, single submitter. Criteria: LabCorp Variant Classification Summary - May 2015. Collection method: clinical testing. Allele origin: germline.
Comment: Variant summary: ADAMTS13 c.2107C>T (p.Leu703Leu) alters a non-conserved nucleotide located close to a canonical splice site and therefore could affect mRNA splicing, leading to a significantly altered protein sequence. Consensus agreement among computation tools predict no significant impact on normal splicing. However, these predictions have yet to be confirmed by functional studies. The variant allele was found at a frequency of 2.8e-05 in 250668 control chromosomes. The available data on variant occurrences in the general population are insufficient to allow any conclusion about variant significance. To our knowledge, no occurrence of c.2107C>T in individuals affected with Thrombotic Thrombocytopenic Purpura and no experimental evidence demonstrating its impact on protein function have been reported. ClinVar contains an entry for this variant (Variation ID: 365552). Based on the evidence outlined above, the variant was classified as uncertain significance.

Illumina Laboratory Services, Illumina
Classification: Uncertain significance for Upshaw-Schulman syndrome. Last evaluated: 2018-01-13. Review status: criteria provided, single submitter. Criteria: ICSL Variant Classification Criteria 13 December 2019. Collection method: clinical testing. Allele origin: germline.

NM_139027.6(ADAMTS13):c.2107C>T (p.Leu703=)

Gene: ADAMTS13 (ADAM metallopeptidase with thrombospondin type 1 motif 13; plus strand). Cytogenetic location: 9q34.2.
Variant type: single nucleotide variant.
Coding change: c.2107C>T on transcript NM_139027.6 (MANE Select); coding-DNA position 2107, C replaced by T.
Protein change: p.Leu703=; no amino-acid change (leucine 703 retained).
Molecular consequence: synonymous variant.
Genome position (GRCh38, 1-based): chr9:133,442,616, C>T. VCF-style: chr9-133442616-C-T. GRCh37 (hg19) VCF-style: chr9-136307737-C-T.
Other names: c.2107C>T, p.Leu703= (NM_139025.5); c.2014C>T, p.Leu672= (NM_139026.6).
Identifiers: ClinVar variation 365552 (VCV000365552.10), dbSNP rs146314458, ClinGen allele CA10629414.
Genomic context (GRCh38, chr9:133,442,616, plus strand): 5'-TCCACAGCACGGCTTGCCCCTGCAGGGAGGCGGCCTAGCCCTCCCTCTTCCCTCCCAGGG[C>T]TGCGCTGGGTAAACTACAGCTGCCTGGACCAGGCCAGGAAGGAGTTGGTGGAGACTGTCC-3'
Protein context (NP_620596.2, residues 693-713): GPCSVSCGAG[Leu703=]RWVNYSCLDQ